The following is an entry in ClinVar:

NM_001927.4(DES):c.833G>A (p.Arg278Gln)

Gene: DES (desmin; plus strand). Cytogenetic location: 2q35.
Variant type: single nucleotide variant.
Coding change: c.833G>A on transcript NM_001927.4 (MANE Select); coding-DNA position 833, G replaced by A.
Protein change: p.Arg278Gln; replaces arginine 278 with glutamine.
Molecular consequence: missense variant. On other transcripts: intron variant (1).
Genome position (GRCh38, 1-based): chr2:219,420,592, G>A. VCF-style: chr2-219420592-G-A. GRCh37 (hg19) VCF-style: chr2-220285314-G-A.
Other names: c.830G>A, p.Arg277Gln (NM_001382708.1); c.833G>A, p.Arg278Gln (NM_001382710.1, NM_001382711.1, NM_001382712.1); c.563G>A, p.Arg188Gln (NM_001382713.1); c.735+246G>A (NM_001382709.1); short protein forms R188Q, R277Q, R278Q.
Identifiers: ClinVar variation 1913006 (VCV001913006.6), dbSNP rs761475402, ClinGen allele CA2125162.

ClinVar aggregate classification (germline): Uncertain significance. Review status: criteria provided, multiple submitters, no conflicts (2 of 4 stars). 2 submissions from 2 submitters: Uncertain significance (2). Last evaluated 2024-11-25.

Conditions:
Desmin-related myofibrillar myopathy (MFM1). Also called: Desminopathy; Desmin related myopathy (former name); Desmin storage myopathy (former name); MYOFIBRILLAR MYOPATHY WITH ARRHYTHMOGENIC RIGHT VENTRICULAR CARDIOMYOPATHY; DESMIN-RELATED MYOPATHY WITH ARRHYTHMOGENIC RIGHT VENTRICULAR CARDIOMYOPATHY; Myofibrillar myopathy 1. Identifiers: Orphanet 363543, Orphanet 98909, MedGen C1832370, MONDO:0011076, OMIM 601419.

Allele frequency attached by ClinVar (database versions not stated): gnomAD exomes below 0.00001; ExAC 0.00001; gnomAD 0.00001; 1000 Genomes Project 30x 0.00031.

Submissions (2):

Blueprint Genetics
Classification: Uncertain significance. Last evaluated: 2024-11-25. Review status: criteria provided, single submitter. Criteria: ACMG Guidelines, 2015. Collection method: clinical testing. Allele origin: germline.

Labcorp Genetics (formerly Invitae), Labcorp
Classification: Uncertain significance for Desmin-related myofibrillar myopathy. Last evaluated: 2024-11-04. Review status: criteria provided, single submitter. Criteria: Invitae Variant Classification Sherloc (09022015). Collection method: clinical testing. Allele origin: germline.
Comment: This sequence change replaces arginine, which is basic and polar, with glutamine, which is neutral and polar, at codon 278 of the DES protein (p.Arg278Gln). This variant is present in population databases (rs761475402, gnomAD 0.006%). This variant has not been reported in the literature in individuals affected with DES-related conditions. ClinVar contains an entry for this variant (Variation ID: 1913006). Invitae Evidence Modeling of protein sequence and biophysical properties (such as structural, functional, and spatial information, amino acid conservation, physicochemical variation, residue mobility, and thermodynamic stability) has been performed for this missense variant. However, the output from this modeling did not meet the statistical confidence thresholds required to predict the impact of this variant on DES protein function. In summary, the available evidence is currently insufficient to determine the role of this variant in disease. Therefore, it has been classified as a Variant of Uncertain Significance.